The following is an entry in ClinVar:

NM_004260.4(RECQL4):c.514C>T (p.Leu172Phe)

Gene: RECQL4 (RecQ like helicase 4; minus strand). Cytogenetic location: 8q24.3.
Variant type: single nucleotide variant.
Coding change: c.514C>T on transcript NM_004260.4 (MANE Select); coding-DNA position 514, C replaced by T.
Protein change: p.Leu172Phe; replaces leucine 172 with phenylalanine.
Molecular consequence: missense variant.
Genome position (GRCh38, 1-based): chr8:144,516,605, G>A on the plus strand (C>T on the coding strand, the complement: RECQL4 is on the minus strand). VCF-style: chr8-144516605-G-A. GRCh37 (hg19) VCF-style: chr8-145741989-G-A.
Other names: short protein forms L172F.
Identifiers: ClinVar variation 406927 (VCV000406927.16), dbSNP rs188859497, ClinGen allele CA4949264.

ClinVar aggregate classification (germline): Likely benign. Review status: criteria provided, multiple submitters, no conflicts (2 of 4 stars). 3 submissions from 3 submitters: Likely benign (2). 1 of the submissions does not count toward it. Last evaluated 2025-11-10.

Conditions:
RECQL4-related disorder. Also called: RECQL4-related condition; RECQL4-related disorders.
Baller-Gerold syndrome (BGS). Also called: CRANIOSYNOSTOSIS WITH RADIAL DEFECTS. Identifiers: Orphanet 1225, MedGen C0265308, MONDO:0009039, OMIM 218600.

Allele frequency attached by ClinVar (database versions not stated): gnomAD exomes 0.00006 and 0.00017; ExAC 0.00014; ESP Exome Variant Server 0.00033; TOPMed 0.00055; 1000 Genomes Project 30x 0.00078; 1000 Genomes Project 0.00080; gnomAD 0.00102.
gnomAD v4.1: 190 of 1,610,686 alleles (0.012%); highest among the groups gnomAD compares: African/African-American, 0.22%; no homozygotes.

Submissions (3):

Labcorp Genetics (formerly Invitae), Labcorp
Classification: Likely benign for Baller-Gerold syndrome. Last evaluated: 2025-11-10. Review status: criteria provided, single submitter. Criteria: Invitae Variant Classification Sherloc (09022015). Collection method: clinical testing. Allele origin: germline.

Genetic Services Laboratory, University of Chicago
Classification: Likely benign. Last evaluated: 2021-11-26. Review status: criteria provided, single submitter. Criteria: ACMG Guidelines, 2015. Collection method: clinical testing. Allele origin: germline. Affected: no.

PreventionGenetics, part of Exact Sciences
Classification: Likely benign for RECQL4-related condition. Last evaluated: 2022-03-10. Review status: no assertion criteria provided. Collection method: clinical testing. Allele origin: germline. Not counted in ClinVar's aggregate classification.
Comment: This variant is classified as likely benign based on ACMG/AMP sequence variant interpretation guidelines (Richards et al. 2015 PMID: 25741868, with internal and published modifications).